The following is an entry in ClinVar:

ClinVar aggregate classification (germline): Uncertain significance. Review status: criteria provided, multiple submitters, no conflicts (2 of 4 stars). 2 submissions from 2 submitters: Uncertain significance (2). Last evaluated 2025-08-28.

Conditions:
Inborn genetic diseases. Identifiers: MedGen C0950123, MeSH D030342.

gnomAD v4.1: 30 of 1,613,846 alleles (0.0019%); highest among the groups gnomAD compares: South Asian, 0.02%; no homozygotes.

Submissions (2):

Ambry Genetics
Classification: Uncertain significance for Inborn genetic diseases. Last evaluated: 2025-08-28. Review status: criteria provided, single submitter. Criteria: Ambry Variant Classification Scheme 2023. Collection method: clinical testing. Allele origin: germline.

GeneDx
Classification: Uncertain significance. Last evaluated: 2023-11-25. Review status: criteria provided, single submitter. Criteria: GeneDx Variant Classification Process June 2021. Collection method: clinical testing. Allele origin: germline. Affected: yes.
Comment: In silico analysis supports that this missense variant does not alter protein structure/function; Has not been previously published as pathogenic or benign to our knowledge

NM_001376571.1(MADD):c.2807G>A (p.Ser936Asn)

Gene: MADD (MAP kinase activating death domain; plus strand). Cytogenetic location: 11p11.2.
Variant type: single nucleotide variant.
Coding change: c.2807G>A on transcript NM_001376571.1 (MANE Select); coding-DNA position 2807, G replaced by A.
Protein change: p.Ser936Asn; replaces serine 936 with asparagine.
Molecular consequence: missense variant. On other transcripts: non-coding transcript variant (7), intron variant (1).
Genome position (GRCh38, 1-based): chr11:47,289,484, G>A. VCF-style: chr11-47289484-G-A. GRCh37 (hg19) VCF-style: chr11-47311035-G-A.
Other names: c.2807G>A, p.Ser936Asn (NM_001376599.1, NM_001376600.1, NM_001376601.1 and 11 more transcripts); c.2654G>A, p.Ser885Asn (NM_001376602.1); c.2618G>A, p.Ser873Asn (NM_001376603.1, NM_001376604.1, NM_001376618.1 and 20 more transcripts); c.2678G>A, p.Ser893Asn (NM_001376607.1, NM_001376624.1, NM_001376625.1 and 15 more transcripts); c.2543G>A, p.Ser848Asn (NM_001376620.1, NM_001376657.1); c.2747G>A, p.Ser916Asn (NM_001376622.1, NM_001376623.1, NM_130470.3 and 13 more transcripts); c.2603G>A, p.Ser868Asn (NM_001376626.1, NM_001376648.1); c.2414G>A, p.Ser805Asn (NM_001376644.1, NM_001376660.1, NM_001376647.1); and 8 more; short protein forms S694N, S805N, S825N, S839N, S848N, S864N, S868N, S873N.
Identifiers: ClinVar variation 3364696 (VCV003364696.2).